The following is an entry in ClinVar:

NM_000810.4(GABRA5):c.86+1G>A

Gene: GABRA5 (gamma-aminobutyric acid type A receptor subunit alpha5; plus strand). Cytogenetic location: 15q12.
Variant type: single nucleotide variant.
Coding change: c.86+1G>A on transcript NM_000810.4 (MANE Select); the canonical splice donor site of the intron after coding-DNA position 86, G replaced by A.
Molecular consequence: splice donor variant.
Genome position (GRCh38, 1-based): chr15:26,869,335, G>A. VCF-style: chr15-26869335-G-A. GRCh37 (hg19) VCF-style: chr15-27114482-G-A.
Other names: c.86+1G>A (NM_001165037.2).
Identifiers: ClinVar variation 1329002 (VCV001329002.2), dbSNP rs375945386, ClinGen allele CA268191946.

ClinVar aggregate classification (germline): Uncertain significance (1 of 4 stars; one submission).

Allele frequency attached by ClinVar (database versions not stated): gnomAD exomes below 0.00001 and 0.00001; gnomAD 0.00001; TOPMed 0.00002; ESP Exome Variant Server 0.00008.
gnomAD v4.1: 13 of 1,570,976 alleles (0.00083%); highest among the groups gnomAD compares: Non-Finnish European, 0.0011%; no homozygotes.

Submission:

Women's Health and Genetics/Laboratory Corporation of America, LabCorp
Classification: Uncertain significance. Last evaluated: 2024-08-01. Review status: criteria provided, single submitter. Criteria: LabCorp Variant Classification Summary - May 2015. Collection method: clinical testing. Allele origin: germline.
Comment: Variant summary: GABRA5 c.86+1G>A is located in a canonical splice-site and is predicted to affect mRNA splicing resulting in a significantly altered protein due to either exon skipping, shortening, or inclusion of intronic material. Variants that disrupt the consensus splice site are a relatively common cause of aberrant splicing, however current evidence is not sufficient to establish loss of function as a mechanism for disease. Computational tools predict a significant impact on normal splicing: Three predict the variant abolishes a canonical 5' splicing donor site. However, these predictions have yet to be confirmed by functional studies. The variant allele was found at a frequency of 4e-06 in 249224 control chromosomes (gnomAD). The available data on variant occurrences in the general population are insufficient to allow any conclusion about variant significance. c.86+1G>A has been reported in the literature in an individual affected with familial focal epilepsy (Oates_2018). This report does not provide unequivocal conclusions about association of the variant with Developmental And Epileptic Encephalopathy, 79. To our knowledge, no experimental evidence demonstrating an impact on protein function has been reported. The following publication has been ascertained in the context of this evaluation (PMID: 29760947). ClinVar contains an entry for this variant (Variation ID: 1329002). Based on the evidence outlined above, the variant was classified as uncertain significance.

Literature cited by the submitters: PubMed 29760947.